The following is an entry in ClinVar:

NM_206933.4(USH2A):c.15545A>C (p.Asn5182Thr)

Gene: USH2A (usherin; minus strand). Cytogenetic location: 1q41.
Variant type: single nucleotide variant.
Coding change: c.15545A>C on transcript NM_206933.4 (MANE Select); coding-DNA position 15545, A replaced by C.
Protein change: p.Asn5182Thr; replaces asparagine 5182 with threonine.
Molecular consequence: missense variant.
Genome position (GRCh38, 1-based): chr1:215,625,845, T>G on the plus strand (A>C on the coding strand, the complement: USH2A is on the minus strand). VCF-style: chr1-215625845-T-G. GRCh37 (hg19) VCF-style: chr1-215799187-T-G.
Other names: short protein forms N5182T.
Identifiers: ClinVar variation 1930885 (VCV001930885.5), dbSNP rs2464739068, ClinGen allele CA344820355.

ClinVar aggregate classification (germline): Uncertain significance (1 of 4 stars; one submission).

Allele frequency attached by ClinVar (database versions not stated): gnomAD exomes below 0.00001.
gnomAD v4.1: 4 of 1,614,116 alleles (0.00025%); highest among the groups gnomAD compares: South Asian, 0.0033%; no homozygotes.

Submission:

Labcorp Genetics (formerly Invitae), Labcorp
Classification: Uncertain significance. Last evaluated: 2022-06-19. Review status: criteria provided, single submitter. Criteria: Invitae Variant Classification Sherloc (09022015). Collection method: clinical testing. Allele origin: germline.
Comment: This sequence change replaces asparagine, which is neutral and polar, with threonine, which is neutral and polar, at codon 5182 of the USH2A protein (p.Asn5182Thr). This variant is not present in population databases (gnomAD no frequency). This variant has not been reported in the literature in individuals affected with USH2A-related conditions. Algorithms developed to predict the effect of missense changes on protein structure and function are either unavailable or do not agree on the potential impact of this missense change (SIFT: "Deleterious"; PolyPhen-2: "Benign"; Align-GVGD: "Class C0"). In summary, the available evidence is currently insufficient to determine the role of this variant in disease. Therefore, it has been classified as a Variant of Uncertain Significance.